The following is an entry in ClinVar:

ClinVar aggregate classification (germline): Uncertain significance. Review status: criteria provided, multiple submitters, no conflicts (2 of 4 stars). 3 submissions from 3 submitters: Uncertain significance (2). 1 of the submissions does not count toward it. Last evaluated 2024-09-20.

Conditions:
Retinal dystrophy. Also called: Inherited retinal dystrophy. Identifiers: Orphanet 71862, MedGen C0854723, MeSH D058499, MONDO:0019118, HP:0000556.

Allele frequency attached by ClinVar (database versions not stated): gnomAD 0.00001; ExAC 0.00002; TOPMed 0.00002.
gnomAD v4.1: 19 of 1,613,940 alleles (0.0012%); highest among the groups gnomAD compares: Middle Eastern, 0.033%; no homozygotes.

Submissions (3):

Blueprint Genetics
Classification: Uncertain significance. Last evaluated: 2024-09-20. Review status: criteria provided, single submitter. Criteria: ACMG Guidelines, 2015. Collection method: clinical testing. Allele origin: germline.

Labcorp Genetics (formerly Invitae), Labcorp
Classification: Uncertain significance. Last evaluated: 2022-11-29. Review status: criteria provided, single submitter. Criteria: Invitae Variant Classification Sherloc (09022015). Collection method: clinical testing. Allele origin: germline.
Comment: In summary, the available evidence is currently insufficient to determine the role of this variant in disease. Therefore, it has been classified as a Variant of Uncertain Significance. Advanced modeling of protein sequence and biophysical properties (such as structural, functional, and spatial information, amino acid conservation, physicochemical variation, residue mobility, and thermodynamic stability) performed at Invitae indicates that this missense variant is not expected to disrupt CDH3 protein function. ClinVar contains an entry for this variant (Variation ID: 1017065). This variant has not been reported in the literature in individuals affected with CDH3-related conditions. This variant is present in population databases (rs752908359, gnomAD 0.006%). This sequence change replaces arginine, which is basic and polar, with tryptophan, which is neutral and slightly polar, at codon 681 of the CDH3 protein (p.Arg681Trp).

Institute of Human Genetics, Univ. Regensburg, Univ. Regensburg
Classification: Uncertain significance for Retinal dystrophy. Last evaluated: 2023-01-01. Review status: no assertion criteria provided. Criteria: ACMG Guidelines, 2015. Collection method: clinical testing. Allele origin: germline. Affected: yes. Not counted in ClinVar's aggregate classification.

NM_001793.6(CDH3):c.2041C>T (p.Arg681Trp)

Gene: CDH3 (cadherin 3; plus strand). Cytogenetic location: 16q22.1.
Variant type: single nucleotide variant.
Coding change: c.2041C>T on transcript NM_001793.6 (MANE Select); coding-DNA position 2041, C replaced by T.
Protein change: p.Arg681Trp; replaces arginine 681 with tryptophan.
Molecular consequence: missense variant.
Genome position (GRCh38, 1-based): chr16:68,695,293, C>T. VCF-style: chr16-68695293-C-T. GRCh37 (hg19) VCF-style: chr16-68729196-C-T.
Other names: c.2041C>T, p.Arg681Trp (NM_001317195.3); c.1876C>T, p.Arg626Trp (NM_001317196.2); short protein forms R626W, R681W.
Identifiers: ClinVar variation 1017065 (VCV001017065.8), dbSNP rs752908359, ClinGen allele CA8129553.